The following is an entry in ClinVar:

ClinVar aggregate classification (germline): Uncertain significance (1 of 4 stars; one submission).

Conditions:
Autosomal dominant childhood-onset proximal spinal muscular atrophy with contractures (SMALED2A). Also called: Spinal muscular atrophy, lower extremity-predominant, 2A, autosomal dominant; SPINAL MUSCULAR ATROPHY, LOWER EXTREMITY-PREDOMINANT, 2A, CHILDHOOD ONSET, AUTOSOMAL DOMINANT. Identifiers: Orphanet 363447, Orphanet 363454, MedGen C4747715, MONDO:0014121, OMIM 615290.

Allele frequency attached by ClinVar (database versions not stated): gnomAD exomes below 0.00001.

Submission:

Labcorp Genetics (formerly Invitae), Labcorp
Classification: Uncertain significance for Autosomal dominant childhood-onset proximal spinal muscular atrophy with contractures. Last evaluated: 2023-07-26. Review status: criteria provided, single submitter. Criteria: Invitae Variant Classification Sherloc (09022015). Collection method: clinical testing. Allele origin: germline.
Comment: This sequence change replaces threonine, which is neutral and polar, with isoleucine, which is neutral and non-polar, at codon 133 of the BICD2 protein (p.Thr133Ile). In summary, the available evidence is currently insufficient to determine the role of this variant in disease. Therefore, it has been classified as a Variant of Uncertain Significance. Advanced modeling of protein sequence and biophysical properties (such as structural, functional, and spatial information, amino acid conservation, physicochemical variation, residue mobility, and thermodynamic stability) performed at Invitae indicates that this missense variant is not expected to disrupt BICD2 protein function. This variant has not been reported in the literature in individuals affected with BICD2-related conditions. This variant is not present in population databases (gnomAD no frequency).

NM_001003800.2(BICD2):c.398C>T (p.Thr133Ile)

Gene: BICD2 (BICD cargo adaptor 2; minus strand). Cytogenetic location: 9q22.31.
Variant type: single nucleotide variant.
Coding change: c.398C>T on transcript NM_001003800.2 (MANE Select); coding-DNA position 398, C replaced by T.
Protein change: p.Thr133Ile; replaces threonine 133 with isoleucine.
Molecular consequence: missense variant.
Genome position (GRCh38, 1-based): chr9:92,729,079, G>A on the plus strand (C>T on the coding strand, the complement: BICD2 is on the minus strand). VCF-style: chr9-92729079-G-A. GRCh37 (hg19) VCF-style: chr9-95491361-G-A.
Other names: c.398C>T, p.Thr133Ile (NM_015250.4); short protein forms T133I.
Identifiers: ClinVar variation 2989470 (VCV002989470.3), dbSNP rs1231748699, ClinGen allele CA374026995.
Genomic context (GRCh38, chr9:92,729,079, plus strand): 5'-CTCACCTCCTTCAGCTCCTGGGCCACAGAGGCCAGGCGCTCATTCTCCGACTGCGTGTTG[G>A]TGAGGACATTGCGCAACTGCTTCAGCTCCGTCTGCAGCTCTAGCACCTTCCGCACGTAGT-3'
Protein context (NP_001003800.1, residues 123-143): TELKQLRNVL[Thr133Ile]NTQSENERLA